The following is an entry in ClinVar:

ClinVar aggregate classification (germline): Uncertain significance (1 of 4 stars; one submission).

Conditions:
Ullrich congenital muscular dystrophy 2 (UCMD2). Identifiers: Orphanet 75840, MedGen C4225314, MONDO:0014654, OMIM 616470.
Bethlem myopathy 2 (BTHLM2). Identifiers: Orphanet 536516, Orphanet 610, MedGen C4225313, MONDO:0034022, OMIM 616471.

Submission:

Labcorp Genetics (formerly Invitae), Labcorp
Classification: Uncertain significance for Bethlem myopathy 2; Ullrich congenital muscular dystrophy 2. Last evaluated: 2024-11-27. Review status: criteria provided, single submitter. Criteria: Invitae Variant Classification Sherloc (09022015). Collection method: clinical testing. Allele origin: germline.
Comment: This sequence change replaces glycine, which is neutral and non-polar, with arginine, which is basic and polar, at codon 2242 of the COL12A1 protein (p.Gly2242Arg). This variant also falls at the last nucleotide of exon 41, which is part of the consensus splice site for this exon. This variant is not present in population databases (gnomAD no frequency). This variant has not been reported in the literature in individuals affected with COL12A1-related conditions. An algorithm developed to predict the effect of missense changes on protein structure and function (PolyPhen-2) suggests that this variant is likely to be disruptive. Variants that disrupt the consensus splice site are a relatively common cause of aberrant splicing (PMID: 17576681, 9536098). Algorithms developed to predict the effect of sequence changes on RNA splicing suggest that this variant may disrupt the consensus splice site. In summary, the available evidence is currently insufficient to determine the role of this variant in disease. Therefore, it has been classified as a Variant of Uncertain Significance.

Literature cited by the submitters: PubMed 17576681; PubMed 9536098.

NM_004370.6(COL12A1):c.6724G>A (p.Gly2242Arg)

Gene: COL12A1 (collagen type XII alpha 1 chain; minus strand). Cytogenetic location: 6q13.
Variant type: single nucleotide variant.
Coding change: c.6724G>A on transcript NM_004370.6 (MANE Select); coding-DNA position 6724, G replaced by A.
Protein change: p.Gly2242Arg; replaces glycine 2242 with arginine.
Molecular consequence: missense variant.
Genome position (GRCh38, 1-based): chr6:75,124,255, C>T on the plus strand (G>A on the coding strand, the complement: COL12A1 is on the minus strand). VCF-style: chr6-75124255-C-T. GRCh37 (hg19) VCF-style: chr6-75833971-C-T.
Other names: c.6724G>A, p.Gly2242Arg (NM_001424113.1); c.6703G>A, p.Gly2235Arg (NM_001424114.1); c.6451G>A, p.Gly2151Arg (NM_001424115.1); c.3232G>A, p.Gly1078Arg (NM_001424116.1, NM_080645.3); short protein forms G1078R, G2151R, G2235R, G2242R.
Identifiers: ClinVar variation 3759915 (VCV003759915.2).